The following is an entry in ClinVar:

ClinVar aggregate classification (germline): Uncertain significance (1 of 4 stars; one submission).

Submission:

Labcorp Genetics (formerly Invitae), Labcorp
Classification: Uncertain significance. Last evaluated: 2025-05-21. Review status: criteria provided, single submitter. Criteria: Invitae Variant Classification Sherloc (09022015). Collection method: clinical testing. Allele origin: germline.
Comment: This sequence change replaces arginine, which is basic and polar, with glycine, which is neutral and non-polar, at codon 638 of the LZTR1 protein (p.Arg638Gly). This variant is not present in population databases (gnomAD no frequency). This variant has not been reported in the literature in individuals affected with LZTR1-related conditions. Invitae Evidence Modeling of protein sequence and biophysical properties (such as structural, functional, and spatial information, amino acid conservation, physicochemical variation, residue mobility, and thermodynamic stability) indicates that this missense variant is not expected to disrupt LZTR1 protein function with a negative predictive value of 80%. In summary, the available evidence is currently insufficient to determine the role of this variant in disease. Therefore, it has been classified as a Variant of Uncertain Significance.

NM_006767.4(LZTR1):c.1912C>G (p.Arg638Gly)

Gene: LZTR1 (leucine zipper like post translational regulator 1; plus strand). Cytogenetic location: 22q11.21.
Variant type: single nucleotide variant.
Coding change: c.1912C>G on transcript NM_006767.4 (MANE Select); coding-DNA position 1912, C replaced by G.
Protein change: p.Arg638Gly; replaces arginine 638 with glycine.
Molecular consequence: missense variant.
Genome position (GRCh38, 1-based): chr22:20,994,996, C>G. VCF-style: chr22-20994996-C-G. GRCh37 (hg19) VCF-style: chr22-21349285-C-G.
Other names: short protein forms R638G.
Identifiers: ClinVar variation 4806055 (VCV004806055.1).